The following is an entry in ClinVar:

NM_001457.4(FLNB):c.4993A>G (p.Ile1665Val)

Gene: FLNB (filamin B; plus strand). Cytogenetic location: 3p14.3.
Variant type: single nucleotide variant.
Coding change: c.4993A>G on transcript NM_001457.4 (MANE Select); coding-DNA position 4993, A replaced by G.
Protein change: p.Ile1665Val; replaces isoleucine 1665 with valine.
Molecular consequence: missense variant.
Genome position (GRCh38, 1-based): chr3:58,138,413, A>G. VCF-style: chr3-58138413-A-G. GRCh37 (hg19) VCF-style: chr3-58124140-A-G.
Other names: c.5086A>G, p.Ile1696Val (NM_001164317.2); c.4993A>G, p.Ile1665Val (NM_001164318.2, NM_001164319.2); short protein forms I1665V, I1696V.
Identifiers: ClinVar variation 4801718 (VCV004801718.1).

ClinVar aggregate classification (germline): Uncertain significance (1 of 4 stars; one submission).

Submission:

Labcorp Genetics (formerly Invitae), Labcorp
Classification: Uncertain significance. Last evaluated: 2025-03-13. Review status: criteria provided, single submitter. Criteria: Invitae Variant Classification Sherloc (09022015). Collection method: clinical testing. Allele origin: germline.
Comment: This sequence change replaces isoleucine, which is neutral and non-polar, with valine, which is neutral and non-polar, at codon 1665 of the FLNB protein (p.Ile1665Val). This variant is not present in population databases (gnomAD no frequency). This variant has not been reported in the literature in individuals affected with FLNB-related conditions. Invitae Evidence Modeling of protein sequence and biophysical properties (such as structural, functional, and spatial information, amino acid conservation, physicochemical variation, residue mobility, and thermodynamic stability) indicates that this missense variant is not expected to disrupt FLNB protein function with a negative predictive value of 95%. In summary, the available evidence is currently insufficient to determine the role of this variant in disease. Therefore, it has been classified as a Variant of Uncertain Significance.